The following is an entry in ClinVar:

ClinVar aggregate classification (germline): Likely benign (1 of 4 stars; one submission).

gnomAD v4.1: 273 of 700,826 alleles (0.039%); highest among the groups gnomAD compares: Non-Finnish European, 0.0023%; 1 homozygote.

Submission:

CeGaT Center for Human Genetics Tuebingen
Classification: Likely benign. Last evaluated: 2026-01-01. Review status: criteria provided, single submitter. Criteria: CeGaT Center For Human Genetics Tuebingen Variant Classification Criteria Version 2. Collection method: clinical testing. Allele origin: germline. Affected: yes. Observed: 1 variant allele.
Comment: EED: BP4, BP7

NM_003797.5(EED):c.966+1587C>T

Gene: EED (embryonic ectoderm development; plus strand). Cytogenetic location: 11q14.2.
Variant type: single nucleotide variant.
Coding change: c.966+1587C>T on transcript NM_003797.5 (MANE Select); 1587 bases into the intron after coding-DNA position 966, C replaced by T.
Molecular consequence: intron variant. On other transcripts: synonymous variant (7).
Genome position (GRCh38, 1-based): chr11:86,270,148, C>T. VCF-style: chr11-86270148-C-T. GRCh37 (hg19) VCF-style: chr11-85981190-C-T.
Other names: c.1032C>T, p.Arg344= (NM_001308007.2, NM_001440588.1, NM_001440589.1 and 2 more transcripts); c.939C>T, p.Arg313= (NM_001440587.1); c.860+3932C>T (NM_001440604.1); c.726+5885C>T (NM_001330334.2, NM_001440603.1); c.900+1587C>T (NM_001440591.1); c.774+1587C>T (NM_001440599.1); c.873+1587C>T (NM_001440594.1, NM_001440600.1); c.633+5885C>T (NM_001440602.1); and 3 more.
Identifiers: ClinVar variation 4821867 (VCV004821867.4).